The following is an entry in ClinVar:

ClinVar aggregate classification (germline): Uncertain significance. Review status: criteria provided, multiple submitters, no conflicts (2 of 4 stars). 2 submissions from 2 submitters: Uncertain significance (2). Last evaluated 2024-09-25.

Conditions:
Hereditary cancer-predisposing syndrome. Also called: Neoplastic Syndromes, Hereditary; Hereditary Cancer Syndrome; Hereditary neoplastic syndrome; Tumor predisposition. Identifiers: Orphanet 140162, MedGen C0027672, MeSH D009386, MONDO:0015356.
DICER1-related tumor predisposition. Also called: DICER1-related pleuropulmonary blastoma cancer predisposition syndrome; DICER1 syndrome. Identifiers: Orphanet 284343, MedGen C3839822, MONDO:0100216.

Submissions (2):

Labcorp Genetics (formerly Invitae), Labcorp
Classification: Uncertain significance for DICER1-related tumor predisposition. Last evaluated: 2024-09-25. Review status: criteria provided, single submitter. Criteria: Invitae Variant Classification Sherloc (09022015). Collection method: clinical testing. Allele origin: germline.
Comment: This sequence change replaces valine, which is neutral and non-polar, with leucine, which is neutral and non-polar, at codon 1257 of the DICER1 protein (p.Val1257Leu). This variant is not present in population databases (gnomAD no frequency). This variant has not been reported in the literature in individuals affected with DICER1-related conditions. ClinVar contains an entry for this variant (Variation ID: 824180). Invitae Evidence Modeling of protein sequence and biophysical properties (such as structural, functional, and spatial information, amino acid conservation, physicochemical variation, residue mobility, and thermodynamic stability) indicates that this missense variant is not expected to disrupt DICER1 protein function with a negative predictive value of 80%. In summary, the available evidence is currently insufficient to determine the role of this variant in disease. Therefore, it has been classified as a Variant of Uncertain Significance.

Ambry Genetics
Classification: Uncertain significance for Hereditary cancer-predisposing syndrome. Last evaluated: 2018-05-16. Review status: criteria provided, single submitter. Criteria: Ambry Variant Classification Scheme 2023. Collection method: clinical testing. Allele origin: germline.
Comment: The p.V1257L variant (also known as c.3769G>C), located in coding exon 20 of the DICER1 gene, results from a G to C substitution at nucleotide position 3769. The valine at codon 1257 is replaced by leucine, an amino acid with highly similar properties. This amino acid position is poorly conserved in available vertebrate species. In addition, this alteration is predicted to be tolerated by in silico analysis. Since supporting evidence is limited at this time, the clinical significance of this alteration remains unclear.

NM_177438.3(DICER1):c.3769G>C (p.Val1257Leu)

Gene: DICER1 (dicer 1, ribonuclease III; minus strand). Cytogenetic location: 14q32.13.
Variant type: single nucleotide variant.
Coding change: c.3769G>C on transcript NM_177438.3 (MANE Select); coding-DNA position 3769, G replaced by C.
Protein change: p.Val1257Leu; replaces valine 1257 with leucine.
Molecular consequence: missense variant.
Genome position (GRCh38, 1-based): chr14:95,103,627, C>G on the plus strand (G>C on the coding strand, the complement: DICER1 is on the minus strand). VCF-style: chr14-95103627-C-G. GRCh37 (hg19) VCF-style: chr14-95569964-C-G.
Other names: c.3769G>C, p.Val1257Leu (NM_001195573.1, NM_001271282.3, NM_001291628.2 and 1 more transcripts); short protein forms V1257L.
Identifiers: ClinVar variation 824180 (VCV000824180.6), dbSNP rs1392282413, ClinGen allele CA390873571.